The following is an entry in ClinVar:

ClinVar aggregate classification (germline): Uncertain significance. Review status: criteria provided, multiple submitters, no conflicts (2 of 4 stars). 2 submissions from 2 submitters: Uncertain significance (2). Last evaluated 2024-12-31.

Conditions:
Colorectal cancer, hereditary nonpolyposis, type 7. Identifiers: Orphanet 144, MedGen C1858380, MONDO:0013725, OMIM 614385.

Submissions (2):

Ambry Genetics
Classification: Uncertain significance. Last evaluated: 2024-12-31. Review status: criteria provided, single submitter. Criteria: Ambry Variant Classification Scheme 2023. Collection method: clinical testing. Allele origin: germline.
Comment: The p.G1250S variant (also known as c.3748G>A), located in coding exon 7 of the MLH3 gene, results from a G to A substitution at nucleotide position 3748. The glycine at codon 1250 is replaced by serine, an amino acid with similar properties. This amino acid position is conserved. In addition, the in silico prediction for this alteration is inconclusive. Since supporting evidence is limited at this time, the clinical significance of this alteration remains unclear.

Labcorp Genetics (formerly Invitae), Labcorp
Classification: Uncertain significance for Colorectal cancer, hereditary nonpolyposis, type 7. Last evaluated: 2024-10-15. Review status: criteria provided, single submitter. Criteria: Invitae Variant Classification Sherloc (09022015). Collection method: clinical testing. Allele origin: germline.
Comment: This sequence change replaces glycine, which is neutral and non-polar, with serine, which is neutral and polar, at codon 1250 of the MLH3 protein (p.Gly1250Ser). This variant is not present in population databases (gnomAD no frequency). This variant has not been reported in the literature in individuals affected with MLH3-related conditions. ClinVar contains an entry for this variant (Variation ID: 1734526). An algorithm developed to predict the effect of missense changes on protein structure and function (PolyPhen-2) suggests that this variant is likely to be disruptive. In summary, the available evidence is currently insufficient to determine the role of this variant in disease. Therefore, it has been classified as a Variant of Uncertain Significance.

NM_001040108.2(MLH3):c.3748G>A (p.Gly1250Ser)

Gene: MLH3 (mutL homolog 3; minus strand). Cytogenetic location: 14q24.3.
Variant type: single nucleotide variant.
Coding change: c.3748G>A on transcript NM_001040108.2 (MANE Select); coding-DNA position 3748, G replaced by A.
Protein change: p.Gly1250Ser; replaces glycine 1250 with serine.
Molecular consequence: missense variant.
Genome position (GRCh38, 1-based): chr14:75,032,147, C>T on the plus strand (G>A on the coding strand, the complement: MLH3 is on the minus strand). VCF-style: chr14-75032147-C-T. GRCh37 (hg19) VCF-style: chr14-75498850-C-T.
Other names: c.3676G>A, p.Gly1226Ser (NM_014381.3); short protein forms G1226S, G1250S.
Identifiers: ClinVar variation 1734526 (VCV001734526.5), dbSNP rs1891092014, ClinGen allele CA390424977.